The following is an entry in ClinVar:

ClinVar aggregate classification (germline): Likely benign. Review status: criteria provided, multiple submitters, no conflicts (2 of 4 stars). 5 submissions from 5 submitters: Likely benign (5). Last evaluated 2026-09-12.

Conditions:
Cardiomyopathy (CMYO). Also called: Cardiomyopathies. Identifiers: Orphanet 167848, MedGen C0878544, MONDO:0004994, HP:0001638. Inheritance: Various modes of inheritance.
Cardiovascular phenotype. Identifiers: MedGen CN230736.
Arrhythmogenic cardiomyopathy with wooly hair and keratoderma. Also called: Arrhythmogenic cardiomyopathy with woolly hair and keratoderma; PALMOPLANTAR KERATODERMA WITH LEFT VENTRICULAR CARDIOMYOPATHY AND WOOLLY HAIR; Carvajal syndrome; Dilated cardiomyopathy with woolly hair and keratoderma. Identifiers: Orphanet 65282, MedGen C1854063, MONDO:0011581, OMIM 605676.
Arrhythmogenic right ventricular dysplasia 8 (ARVD8). Also called: ARRHYTHMOGENIC RIGHT VENTRICULAR DYSPLASIA, FAMILIAL, 8; ARRHYTHMOGENIC RIGHT VENTRICULAR CARDIOMYOPATHY 8; Arrhythmogenic Right Ventricular Dysplasia/Cardiomyopathy 8. Identifiers: MedGen C1843896, MONDO:0011831, OMIM 607450.

Allele frequency attached by ClinVar (database versions not stated): gnomAD exomes below 0.00001; gnomAD 0.00001; TOPMed 0.00001.
gnomAD v4.1: 8 of 1,614,014 alleles (0.0005%); highest among the groups gnomAD compares: East Asian, 0.0022%; no homozygotes.

Submissions (5):

Ambry Genetics
Classification: Likely benign for Cardiovascular phenotype. Last evaluated: 2026-09-12. Review status: criteria provided, single submitter. Criteria: Ambry Variant Classification Scheme 2023. Collection method: clinical testing. Allele origin: germline.

Labcorp Genetics (formerly Invitae), Labcorp
Classification: Likely benign for Arrhythmogenic cardiomyopathy with wooly hair and keratoderma; Arrhythmogenic right ventricular dysplasia 8. Last evaluated: 2025-12-18. Review status: criteria provided, single submitter. Criteria: Invitae Variant Classification Sherloc (09022015). Collection method: clinical testing. Allele origin: germline.

Blueprint Genetics
Classification: Likely benign. Last evaluated: 2022-03-24. Review status: criteria provided, single submitter. Criteria: ACMG Guidelines, 2015. Collection method: clinical testing. Allele origin: germline.

Color Diagnostics, LLC DBA Color Health
Classification: Likely benign for Cardiomyopathy. Last evaluated: 2019-11-20. Review status: criteria provided, single submitter. Criteria: ACMG Guidelines, 2015. Collection method: clinical testing. Allele origin: germline.

GeneDx
Classification: Likely benign. Last evaluated: 2017-06-05. Review status: criteria provided, single submitter. Criteria: GeneDx Variant Classification (06012015). Collection method: clinical testing. Allele origin: germline. Affected: yes.
Comment: This variant is considered likely benign or benign based on one or more of the following criteria: it is a conservative change, it occurs at a poorly conserved position in the protein, it is predicted to be benign by multiple in silico algorithms, and/or has population frequency not consistent with disease.

NM_004415.4(DSP):c.4668C>T (p.Ile1556=)

Gene: DSP (desmoplakin; plus strand). Cytogenetic location: 6p24.3.
Variant type: single nucleotide variant.
Coding change: c.4668C>T on transcript NM_004415.4 (MANE Select); coding-DNA position 4668, C replaced by T.
Protein change: p.Ile1556=; no amino-acid change (isoleucine 1556 retained).
Molecular consequence: synonymous variant. On other transcripts: intron variant (2).
Genome position (GRCh38, 1-based): chr6:7,580,858, C>T. VCF-style: chr6-7580858-C-T. GRCh37 (hg19) VCF-style: chr6-7581091-C-T.
Other names: c.4668C>T (LRG_423t1); c.4050+618C>T (NM_001319034.2); c.3582+1086C>T (NM_001008844.3).
Identifiers: ClinVar variation 510024 (VCV000510024.14), dbSNP rs1299604004, ClinGen allele CA448715253.